The following is an entry in ClinVar:

NM_001171.6(ABCC6):c.4015C>T (p.Arg1339Cys)

Gene: ABCC6 (ATP binding cassette subfamily C member 6; minus strand). Cytogenetic location: 16p13.11.
Variant type: single nucleotide variant.
Coding change: c.4015C>T on transcript NM_001171.6 (MANE Select); coding-DNA position 4015, C replaced by T.
Protein change: p.Arg1339Cys; replaces arginine 1339 with cysteine.
Molecular consequence: missense variant. On other transcripts: non-coding transcript variant (1).
Genome position (GRCh38, 1-based): chr16:16,154,899, G>A on the plus strand (C>T on the coding strand, the complement: ABCC6 is on the minus strand). VCF-style: chr16-16154899-G-A. GRCh37 (hg19) VCF-style: chr16-16248756-G-A.
Other names: c.3673C>T, p.Arg1225Cys (NM_001351800.1); short protein forms R1339C, R1225C.
Identifiers: ClinVar variation 6576 (VCV000006576.24), dbSNP rs28939702, ClinGen allele CA281577.

ClinVar aggregate classification (germline): Pathogenic. Review status: criteria provided, multiple submitters, no conflicts (2 of 4 stars). 11 submissions from 11 submitters: Pathogenic (8). 3 of the submissions do not count toward it. Last evaluated 2026-08-01.

Conditions:
ABCC6-related disorder. Also called: ABCC6-related condition.
Autosomal recessive inherited pseudoxanthoma elasticum (PXE). Identifiers: Orphanet 758, MedGen CN032334, MONDO:0009925, OMIM 264800.

Allele frequency attached by ClinVar (database versions not stated): TOPMed 0.00004; gnomAD exomes 0.00008.
gnomAD v4.1: 77 of 1,611,470 alleles (0.0048%); highest among the groups gnomAD compares: Admixed American, 0.017%; no homozygotes.

Submissions (11):

CeGaT Center for Human Genetics Tuebingen
Classification: Pathogenic. Last evaluated: 2026-08-01. Review status: criteria provided, single submitter. Criteria: CeGaT Center For Human Genetics Tuebingen Variant Classification Criteria Version 2. Collection method: clinical testing. Allele origin: germline. Affected: yes. Observed: 2 variant alleles.
Comment: ABCC6: PM3:Very Strong, PM1, PM2, PM5, PS3:Supporting

Labcorp Genetics (formerly Invitae), Labcorp
Classification: Pathogenic. Last evaluated: 2025-12-01. Review status: criteria provided, single submitter. Criteria: Invitae Variant Classification Sherloc (09022015). Collection method: clinical testing. Allele origin: germline.
Comment: This sequence change replaces arginine, which is basic and polar, with cysteine, which is neutral and slightly polar, at codon 1339 of the ABCC6 protein (p.Arg1339Cys). This variant is present in population databases (rs28939702, gnomAD 0.02%). This missense change has been observed in individuals with pseudoxanthoma elasticum (PMID: 10954200, 12384774). ClinVar contains an entry for this variant (Variation ID: 6576). Invitae Evidence Modeling of protein sequence and biophysical properties (such as structural, functional, and spatial information, amino acid conservation, physicochemical variation, residue mobility, and thermodynamic stability) indicates that this missense variant is expected to disrupt ABCC6 protein function with a positive predictive value of 95%. Experimental studies have shown that this missense change affects ABCC6 function (PMID: 24352041, 27994049). This variant disrupts the p.Arg1339 amino acid residue in ABCC6. Other variant(s) that disrupt this residue have been determined to be pathogenic (PMID: 16086317, 18157818). This suggests that this residue is clinically significant, and that variants that disrupt this residue are likely to be disease-causing. For these reasons, this variant has been classified as Pathogenic.

PreventionGenetics, part of Exact Sciences
Classification: Pathogenic for ABCC6-related condition. Last evaluated: 2025-08-07. Review status: criteria provided, single submitter. Criteria: ACMG Guidelines, 2015. Collection method: clinical testing. Allele origin: germline.
Comment: The ABCC6 c.4015C>T variant is predicted to result in the amino acid substitution p.Arg1339Cys. This variant has been reported in individuals with pseudoxanthoma elasticum (see for example: Table S1, Saeidian et al. 2022. PubMed ID: 34906475; Struk et al. 2000. PubMed ID: 10954200; Ramsay et al. 2009. PubMed ID: 19339160; Table S1, Boraldi et al. 2021. PubMed ID: 34205333). This variant has been shown to impact protein stability and localization (Le Saux et al. 2011. PubMed ID: 21935449; Pomozi et al. 2013. PubMed ID: 24352041; Ran et al. 2016. PubMed ID: 27994049). This variant is reported in 0.023% of alleles in individuals of South Asian descent in gnomAD. This variant is interpreted as pathogenic.

GeneDx
Classification: Pathogenic. Last evaluated: 2025-06-25. Review status: criteria provided, single submitter. Criteria: GeneDx Variant Classification Process June 2021. Collection method: clinical testing. Allele origin: germline. Affected: yes.
Comment: Published functional studies demonstrate a damaging effect with R1339C resulting in severely reduced protein level and activity and abnormal protein trafficking (PMID: 27994049, 21935449, 24352041); In silico analysis supports that this missense variant has a deleterious effect on protein structure/function; This variant is associated with the following publications: (PMID: 12384774, 19339160, 21935449, 10954200, 15894595, 24352041, 17617515, 31589614, 33341249, 24316454, 23483032, 32873932, 34205333, 33131056, 28891970, 28696355, 11536079, 28186352, 21167005, 21179111, 23572048, 28486967, 17251343, 23485117, 27994049, 24727260, 28222887, 20849526, 15459974, 18253096, 16086317, 34906475)

Victorian Clinical Genetics Services, Murdoch Childrens Research Institute
Classification: Pathogenic for Autosomal recessive inherited pseudoxanthoma elasticum. Last evaluated: 2024-10-25. Review status: criteria provided, single submitter. Criteria: ACMG Guidelines, 2015. Collection method: clinical testing. Allele origin: germline. Affected: yes.
Comment: This variant is classified as Pathogenic. Evidence in support of pathogenic classification: Variant is present in gnomAD <0.01 for a recessive condition (v4: 77 heterozygotes, 0 homozygotes); This variant has strong previous evidence of pathogenicity in unrelated individuals. This variant has been classified as likely pathogenic and pathogenic by clinical laboratories in ClinVar and reported in the literature in multiple individuals with pseudoxanthoma elasticum (PMIDs: 32873932, 10954200, 18253096, 15459974, 34906475). Additional information: Variant is predicted to result in a missense amino acid change from arginine to cysteine; This variant is homozygous; This gene is associated with autosomal recessive disease. Older publications suggest dominant disease (OMIM); Multiple alternative amino acid changes at the same position have been observed in gnomAD (v4) (highest allele count: 32 heterozygotes, 0 homozygotes); Loss of function is a known mechanism of disease in this gene and is associated with generalized infantile arterial calcification 2 (MIM#614473) and pseudoxanthoma elasticum (PXE; MIM#264800); Variants in this gene are known to have variable expressivity. Intrafamilial variability with age-dependent severity has been well reported (PMID: 28102862).

Blueprint Genetics
Classification: Pathogenic for ABCC6-related disorders. Last evaluated: 2023-05-23. Review status: criteria provided, single submitter. Criteria: ACMG Guidelines, 2015. Collection method: clinical testing. Allele origin: germline. Affected: yes. Observed: 5 variant alleles.

Revvity Omics, Revvity
Classification: Pathogenic. Last evaluated: 2021-09-07. Review status: criteria provided, single submitter. Criteria: ACMG Guidelines, 2015. Collection method: clinical testing. Allele origin: germline.

Juno Genomics, Hangzhou Juno Genomics, Inc
Classification: Pathogenic for Autosomal recessive inherited pseudoxanthoma elasticum. Review status: criteria provided, single submitter. Criteria: ACMG Guidelines, 2015. Collection method: clinical testing. Allele origin: germline. Affected: yes.
Comment: Absent from controls (or at extremely low frequency if recessive) in Genome Aggregation Database, Exome Sequencing Project, 1000 Genomes Project, or Exome Aggregation Consortium.;Novel missense change at an amino acid residue where a different missense change determined to be pathogenic has been seen before.;Well-established in vitro or in vivo functional studies supportive of a damaging effect on the gene or gene product.;For recessive disorders, detected in trans with a pathogenic variant.;Co-segregation with disease in multiple affected family members in a gene definitively known to cause the disease.

PG23_Medical Genetics Lab, ASST Papa Giovanni XXIII
Classification: Likely pathogenic for Autosomal recessive inherited pseudoxanthoma elasticum. Last evaluated: 2024-09-10. Review status: no assertion criteria provided. Collection method: clinical testing. Allele origin: germline. Inheritance: Autosomal recessive inheritance. Affected: yes. Not counted in ClinVar's aggregate classification.

PXE International
Classification: Pathogenic for Autosomal recessive inherited pseudoxanthoma elasticum. Last evaluated: 2021-03-01. Review status: no assertion criteria provided. Collection method: research. Allele origin: germline. Inheritance: Autosomal recessive inheritance. Affected: yes. Observed: 49 variant alleles. Clinical features observed: Papule (HP:0200034), Prostate cancer (HP:0012125), Skin plaque (HP:0200035), Retinal hemorrhage (HP:0000573), Asymptomatic peripheral arterial disease of the lower limbs, Weak or absent arterial pulse, Angioid streaks (HP:0001102), Abnormally lax or hyperextensible skin (HP:0008067), Angina pectoris (HP:0001681), Abnormal EKG (HP:0003115), Intermittent claudication (HP:0004417), Gastrointestinal hemorrhage (HP:0002239), and 3 more. Not counted in ClinVar's aggregate classification.

OMIM
Classification: Pathogenic for PSEUDOXANTHOMA ELASTICUM. Last evaluated: 2018-06-15. Review status: no assertion criteria provided. Collection method: literature only. Allele origin: germline. Not counted in ClinVar's aggregate classification.

Literature cited by the submitters: PubMed 10954200 (cited by Labcorp Genetics (formerly Invitae), Labcorp and Victorian Clinical Genetics Services, Murdoch Childrens Research Institute); PubMed 12384774 (cited by Labcorp Genetics (formerly Invitae), Labcorp); PubMed 24352041 (cited by Labcorp Genetics (formerly Invitae), Labcorp); PubMed 27994049 (cited by Labcorp Genetics (formerly Invitae), Labcorp); PubMed 16086317 (cited by Labcorp Genetics (formerly Invitae), Labcorp); PubMed 18157818 (cited by Labcorp Genetics (formerly Invitae), Labcorp); PubMed 32873932 (cited by Victorian Clinical Genetics Services, Murdoch Childrens Research Institute and PXE International); PubMed 18253096 (cited by Victorian Clinical Genetics Services, Murdoch Childrens Research Institute); PubMed 15459974 (cited by Victorian Clinical Genetics Services, Murdoch Childrens Research Institute); PubMed 34906475 (cited by Victorian Clinical Genetics Services, Murdoch Childrens Research Institute); PubMed 28102862 (cited by Victorian Clinical Genetics Services, Murdoch Childrens Research Institute); PubMed 16543900 (cited by OMIM).